The following is an entry in ClinVar:

ClinVar aggregate classification (germline): Uncertain significance (1 of 4 stars; one submission).

Conditions:
Melanoma, cutaneous malignant, susceptibility to, 8. Also called: MELANOMA AND RENAL CELL CARCINOMA, SUSCEPTIBILITY TO; Cutaneous malignant melanoma 8. Identifiers: Orphanet 293822, MedGen C3152204, MONDO:0013759, OMIM 614456.
Tietz syndrome (TADS). Also called: ALBINISM-DEAFNESS OF TIETZ; HYPOPIGMENTATION/DEAFNESS OF TIETZ; TIETZ ALBINISM-DEAFNESS SYNDROME. Identifiers: Orphanet 42665, MedGen C0391816, MONDO:0007077, OMIM 103500.
Waardenburg syndrome type 2A (WS2A). Also called: WAARDENBURG SYNDROME WITHOUT DYSTOPIA CANTHORUM. Identifiers: Orphanet 3440, MedGen C1860339, MONDO:0008671, OMIM 193510.

Submission:

Labcorp Genetics (formerly Invitae), Labcorp
Classification: Uncertain significance for Melanoma, cutaneous malignant, susceptibility to, 8; Waardenburg syndrome type 2A; Tietz syndrome. Last evaluated: 2024-11-11. Review status: criteria provided, single submitter. Criteria: Invitae Variant Classification Sherloc (09022015). Collection method: clinical testing. Allele origin: germline.
Comment: This sequence change replaces leucine, which is neutral and non-polar, with proline, which is neutral and non-polar, at codon 392 of the MITF protein (p.Leu392Pro). This variant is not present in population databases (gnomAD no frequency). This variant has not been reported in the literature in individuals affected with MITF-related conditions. Invitae Evidence Modeling of protein sequence and biophysical properties (such as structural, functional, and spatial information, amino acid conservation, physicochemical variation, residue mobility, and thermodynamic stability) indicates that this missense variant is expected to disrupt MITF protein function with a positive predictive value of 80%. In summary, the available evidence is currently insufficient to determine the role of this variant in disease. Therefore, it has been classified as a Variant of Uncertain Significance.

NM_001354604.2(MITF):c.1496T>C (p.Leu499Pro)

Gene: MITF (melanocyte inducing transcription factor; plus strand). Cytogenetic location: 3p13.
Variant type: single nucleotide variant.
Coding change: c.1496T>C on transcript NM_001354604.2 (MANE Select); coding-DNA position 1496, T replaced by C.
Protein change: p.Leu499Pro; replaces leucine 499 with proline.
Molecular consequence: missense variant.
Genome position (GRCh38, 1-based): chr3:69,965,163, T>C. VCF-style: chr3-69965163-T-C. GRCh37 (hg19) VCF-style: chr3-70014314-T-C.
Other names: c.1175T>C, p.Leu392Pro (NM_000248.4); c.1322T>C, p.Leu441Pro (NM_001184967.2, NM_001354608.2); c.1493T>C, p.Leu498Pro (NM_001354605.2); c.1475T>C, p.Leu492Pro (NM_001354606.2, NM_006722.3); c.1427T>C, p.Leu476Pro (NM_001354607.2); c.1157T>C, p.Leu386Pro (NM_198158.3); c.1478T>C, p.Leu493Pro (NM_198159.3); c.1430T>C, p.Leu477Pro (NM_198177.3); and 1 more; short protein forms L330P, L386P, L392P, L441P, L476P, L477P, L492P, L493P.
Identifiers: ClinVar variation 3758370 (VCV003758370.2).